The following is an entry in ClinVar:

NM_031372.4(HNRNPDL):c.42G>C (p.Leu14Phe)

Gene: HNRNPDL (heterogeneous nuclear ribonucleoprotein D like; minus strand). Cytogenetic location: 4q21.22.
Variant type: single nucleotide variant.
Coding change: c.42G>C on transcript NM_031372.4 (MANE Select); coding-DNA position 42, G replaced by C.
Protein change: p.Leu14Phe; replaces leucine 14 with phenylalanine.
Molecular consequence: missense variant. On other transcripts: non-coding transcript variant (1).
Genome position (GRCh38, 1-based): chr4:82,429,649, C>G on the plus strand (G>C on the coding strand, the complement: HNRNPDL is on the minus strand). VCF-style: chr4-82429649-C-G. GRCh37 (hg19) VCF-style: chr4-83350802-C-G.
Other names: c.42G>C, p.Leu14Phe (NM_001207000.1); short protein forms L14F.
Identifiers: ClinVar variation 854889 (VCV000854889.12), dbSNP rs753174711, ClinGen allele CA357174058.

ClinVar aggregate classification (germline): Uncertain significance. Review status: criteria provided, multiple submitters, no conflicts (2 of 4 stars). 2 submissions from 2 submitters: Uncertain significance (2). Last evaluated 2023-03-20.

Conditions:
Autosomal dominant limb-girdle muscular dystrophy type 1G (LGMDD3). Also called: MUSCULAR DYSTROPHY, LIMB-GIRDLE, AUTOSOMAL DOMINANT 3; Limb-girdle muscular dystrophy, type 1G. Identifiers: Orphanet 55596, MedGen C1836765, MONDO:0012193, OMIM 609115.

gnomAD v4.1: 8 of 1,366,826 alleles (0.00059%); highest among the groups gnomAD compares: Non-Finnish European, 0.00075%; no homozygotes.

Submissions (2):

Labcorp Genetics (formerly Invitae), Labcorp
Classification: Uncertain significance for Autosomal dominant limb-girdle muscular dystrophy type 1G. Last evaluated: 2023-03-20. Review status: criteria provided, single submitter. Criteria: Invitae Variant Classification Sherloc (09022015). Collection method: clinical testing. Allele origin: germline.
Comment: An algorithm developed to predict the effect of missense changes on protein structure and function (PolyPhen-2) suggests that this variant is likely to be disruptive. ClinVar contains an entry for this variant (Variation ID: 854889). This variant has not been reported in the literature in individuals affected with HNRNPDL-related conditions. This variant is not present in population databases (gnomAD no frequency). This sequence change replaces leucine, which is neutral and non-polar, with phenylalanine, which is neutral and non-polar, at codon 14 of the HNRNPDL protein (p.Leu14Phe). In summary, the available evidence is currently insufficient to determine the role of this variant in disease. Therefore, it has been classified as a Variant of Uncertain Significance.

Revvity Omics, Revvity
Classification: Uncertain significance for Autosomal dominant limb-girdle muscular dystrophy type 1G. Last evaluated: 2020-02-19. Review status: criteria provided, single submitter. Criteria: ACMG Guidelines, 2015. Collection method: clinical testing. Allele origin: germline.